The following is an entry in ClinVar:

ClinVar aggregate classification (germline): Likely benign. Review status: criteria provided, single submitter (1 of 4 stars). 2 submissions from 2 submitters: Likely benign (1). 1 of the submissions does not count toward it. Last evaluated 2023-09-17.

Conditions:
TMC1-related disorder. Also called: TMC1-related condition; TMC1-related disorders.

Allele frequency attached by ClinVar (database versions not stated): gnomAD exomes below 0.00001.
gnomAD v4.1: 1 of 1,613,434 alleles (0.000062%); highest among the groups gnomAD compares: Admixed American, 0.0017%; no homozygotes.

Submissions (2):

Labcorp Genetics (formerly Invitae), Labcorp
Classification: Likely benign. Last evaluated: 2023-09-17. Review status: criteria provided, single submitter. Criteria: Invitae Variant Classification Sherloc (09022015). Collection method: clinical testing. Allele origin: germline.

PreventionGenetics, part of Exact Sciences
Classification: Likely benign for TMC1-related condition. Last evaluated: 2019-06-05. Review status: no assertion criteria provided. Collection method: clinical testing. Allele origin: germline. Not counted in ClinVar's aggregate classification.
Comment: This variant is classified as likely benign based on ACMG/AMP sequence variant interpretation guidelines (Richards et al. 2015 PMID: 25741868, with internal and published modifications).

NM_138691.3(TMC1):c.1704C>T (p.Tyr568=)

Gene: TMC1 (transmembrane channel like 1; plus strand). Cytogenetic location: 9q21.13.
Variant type: single nucleotide variant.
Coding change: c.1704C>T on transcript NM_138691.3 (MANE Select); coding-DNA position 1704, C replaced by T.
Protein change: p.Tyr568=; no amino-acid change (tyrosine 568 retained).
Molecular consequence: synonymous variant.
Genome position (GRCh38, 1-based): chr9:72,816,151, C>T. VCF-style: chr9-72816151-C-T. GRCh37 (hg19) VCF-style: chr9-75431067-C-T.
Other names: c.1704C>T (NM_138691.2).
Identifiers: ClinVar variation 2983980 (VCV002983980.5), dbSNP rs1369821363, ClinGen allele CA465186603.